The following is an entry in ClinVar:

ClinVar aggregate classification (germline): Uncertain significance (1 of 4 stars; one submission).

Submission:

Labcorp Genetics (formerly Invitae), Labcorp
Classification: Uncertain significance. Last evaluated: 2026-01-03. Review status: criteria provided, single submitter. Criteria: Invitae Variant Classification Sherloc (09022015). Collection method: clinical testing. Allele origin: germline.
Comment: This sequence change replaces serine, which is neutral and polar, with isoleucine, which is neutral and non-polar, at codon 353 of the CSF2RB protein (p.Ser353Ile). This variant is not present in population databases (gnomAD no frequency). This variant has not been reported in the literature in individuals affected with CSF2RB-related conditions. Invitae Evidence Modeling of protein sequence and biophysical properties (such as structural, functional, and spatial information, amino acid conservation, physicochemical variation, residue mobility, and thermodynamic stability) indicates that this missense variant is expected to disrupt CSF2RB protein function with a positive predictive value of 80%. In summary, the available evidence is currently insufficient to determine the role of this variant in disease. Therefore, it has been classified as a Variant of Uncertain Significance.

NM_000395.3(CSF2RB):c.1058G>T (p.Ser353Ile)

Gene: CSF2RB (colony stimulating factor 2 receptor subunit beta; plus strand). Cytogenetic location: 22q12.3.
Variant type: single nucleotide variant.
Coding change: c.1058G>T on transcript NM_000395.3 (MANE Select); coding-DNA position 1058, G replaced by T.
Protein change: p.Ser353Ile; replaces serine 353 with isoleucine.
Molecular consequence: missense variant.
Genome position (GRCh38, 1-based): chr22:36,932,810, G>T. VCF-style: chr22-36932810-G-T. GRCh37 (hg19) VCF-style: chr22-37328852-G-T.
Other names: c.1076G>T, p.Ser359Ile (NM_001410827.1); short protein forms S359I, S353I.
Identifiers: ClinVar variation 4743122 (VCV004743122.1).